The following is an entry in ClinVar:

ClinVar aggregate classification (germline): Uncertain significance (1 of 4 stars; one submission).

Allele frequency attached by ClinVar (database versions not stated): gnomAD 0.00001; TOPMed 0.00001; ExAC 0.00002; 1000 Genomes Project 30x 0.00016.
gnomAD v4.1: 22 of 1,614,034 alleles (0.0014%); highest among the groups gnomAD compares: Middle Eastern, 0.016%; no homozygotes.

Submission:

Labcorp Genetics (formerly Invitae), Labcorp
Classification: Uncertain significance. Last evaluated: 2022-03-19. Review status: criteria provided, single submitter. Criteria: Invitae Variant Classification Sherloc (09022015). Collection method: clinical testing. Allele origin: germline.
Comment: In summary, the available evidence is currently insufficient to determine the role of this variant in disease. Therefore, it has been classified as a Variant of Uncertain Significance. Algorithms developed to predict the effect of missense changes on protein structure and function (SIFT, PolyPhen-2, Align-GVGD) all suggest that this variant is likely to be disruptive. This variant has not been reported in the literature in individuals affected with LTBP2-related conditions. This variant is present in population databases (rs762848418, gnomAD 0.006%). This sequence change replaces arginine, which is basic and polar, with tryptophan, which is neutral and slightly polar, at codon 1058 of the LTBP2 protein (p.Arg1058Trp).

NM_000428.3(LTBP2):c.3172C>T (p.Arg1058Trp)

Gene: LTBP2 (latent transforming growth factor beta binding protein 2; minus strand). Cytogenetic location: 14q24.3.
Variant type: single nucleotide variant.
Coding change: c.3172C>T on transcript NM_000428.3 (MANE Select); coding-DNA position 3172, C replaced by T.
Protein change: p.Arg1058Trp; replaces arginine 1058 with tryptophan.
Molecular consequence: missense variant.
Genome position (GRCh38, 1-based): chr14:74,509,839, G>A on the plus strand (C>T on the coding strand, the complement: LTBP2 is on the minus strand). VCF-style: chr14-74509839-G-A. GRCh37 (hg19) VCF-style: chr14-74976542-G-A.
Other names: short protein forms R1058W.
Identifiers: ClinVar variation 1907233 (VCV001907233.3), dbSNP rs762848418, ClinGen allele CA7269263.